The following is an entry in ClinVar:

NM_004360.5(CDH1):c.268C>T (p.Arg90Trp)

Gene: CDH1 (cadherin 1; plus strand). Cytogenetic location: 16q22.1.
Variant type: single nucleotide variant.
Coding change: c.268C>T on transcript NM_004360.5 (MANE Select); coding-DNA position 268, C replaced by T.
Protein change: p.Arg90Trp; replaces arginine 90 with tryptophan.
Molecular consequence: missense variant. On other transcripts: 5 prime UTR variant (2).
Genome position (GRCh38, 1-based): chr16:68,801,774, C>T. VCF-style: chr16-68801774-C-T. GRCh37 (hg19) VCF-style: chr16-68835677-C-T.
Other names: p.R90W:CGG>TGG; c.268C>T (LRG_301t1); c.268C>T, p.Arg90Trp (NM_001317184.2); c.-1348C>T (NM_001317185.2); c.-1552C>T (NM_001317186.2); short protein forms R90W.
Identifiers: ClinVar variation 182390 (VCV000182390.30), dbSNP rs730881661, ClinGen allele CA298965.

ClinVar aggregate classification (germline): Conflicting classifications of pathogenicity. Review status: criteria provided, conflicting classifications (1 of 4 stars). 9 submissions from 9 submitters: Uncertain significance (7); Likely benign (1). 1 of the submissions does not count toward it. Last evaluated 2026-01-20.

Conditions:
CDH1-related disorder. Also called: CDH1-related condition.
Hereditary cancer-predisposing syndrome. Also called: Neoplastic Syndromes, Hereditary; Tumor predisposition; Hereditary neoplastic syndrome; Hereditary Cancer Syndrome. Identifiers: Orphanet 140162, MedGen C0027672, MeSH D009386, MONDO:0015356.
Hereditary diffuse gastric adenocarcinoma (HDGC). Also called: DIFFUSE GASTRIC AND LOBULAR BREAST CANCER SYNDROME. Identifiers: Orphanet 26106, MedGen C1708349, MONDO:0007648, OMIM 137215.
Familial cancer of breast. Also called: Hereditary breast cancer; BREAST CANCER, FAMILIAL; hereditary breast carcinoma. Identifiers: Orphanet 227535, MedGen C0346153, MONDO:0016419, OMIM 114480. Disease mechanism: loss of function.

Allele frequency attached by ClinVar (database versions not stated): gnomAD exomes below 0.00001; TOPMed 0.00002.
gnomAD v4.1: 29 of 1,614,134 alleles (0.0018%); highest among the groups gnomAD compares: East Asian, 0.0089%; no homozygotes.

Submissions (9):

Labcorp Genetics (formerly Invitae), Labcorp
Classification: Uncertain significance for Hereditary diffuse gastric adenocarcinoma. Last evaluated: 2026-01-20. Review status: criteria provided, single submitter. Criteria: Invitae Variant Classification Sherloc (09022015). Collection method: clinical testing. Allele origin: germline.
Comment: This sequence change replaces arginine, which is basic and polar, with tryptophan, which is neutral and slightly polar, at codon 90 of the CDH1 protein (p.Arg90Trp). The frequency data for this variant in the population databases is considered unreliable, as metrics indicate poor data quality at this position in the gnomAD database. This missense change has been observed in individual(s) with gastric cancer (PMID: 23555086). ClinVar contains an entry for this variant (Variation ID: 182390). An algorithm developed to predict the effect of missense changes on protein structure and function (PolyPhen-2) suggests that this variant is likely to be disruptive. In summary, the available evidence is currently insufficient to determine the role of this variant in disease. Therefore, it has been classified as a Variant of Uncertain Significance.

PreventionGenetics, part of Exact Sciences
Classification: Uncertain significance for CDH1-related condition. Last evaluated: 2025-10-11. Review status: criteria provided, single submitter. Criteria: ACMG Guidelines, 2015. Collection method: clinical testing. Allele origin: germline.
Comment: The CDH1 c.268C>T variant is predicted to result in the amino acid substitution p.Arg90Trp. This variant has been reported in a patient with gastric cancer (Fang et al. 2013. PubMed ID: 23555086). This variant is reported in 0.0054% of alleles in individuals of East Asian descent in gnomAD, and has conflicting interpretations of likely benign and uncertain significance in ClinVar (Variation ID: 182390). At this time, the clinical significance of this variant is uncertain due to the absence of conclusive functional and genetic evidence.

Quest Diagnostics Nichols Institute San Juan Capistrano
Classification: Uncertain significance. Last evaluated: 2024-11-05. Review status: criteria provided, single submitter. Criteria: Quest Diagnostics criteria. Collection method: clinical testing. Allele origin: unknown.
Comment: The CDH1 c.268C>T (p.Arg90Trp) variant has been observed in a large scale breast cancer association study in 4 breast cancer cases and 1 reportedly healthy individual (PMID: 33471991 (2021), see also LOVD). The frequency of this variant in the general population, 0.000004 (1/251338 chromosomes (Genome Aggregation Database)), is uninformative in the assessment of its pathogenicity. Analysis of this variant using bioinformatics tools for the prediction of the effect of amino acid changes on protein structure and function yielded predictions that this variant is benign. Based on the available information, we are unable to determine the clinical significance of this variant.

Baylor Genetics
Classification: Uncertain significance for Familial cancer of breast. Last evaluated: 2023-12-29. Review status: criteria provided, single submitter. Criteria: ACMG Guidelines, 2015. Collection method: clinical testing. Allele origin: unknown.

Color Diagnostics, LLC DBA Color Health
Classification: Uncertain significance for Hereditary cancer-predisposing syndrome. Last evaluated: 2023-10-09. Review status: criteria provided, single submitter. Criteria: ACMG Guidelines, 2015. Collection method: clinical testing. Allele origin: germline.
Comment: This missense variant replaces arginine with tryptophan at codon 90 of the CDH1 protein. To our knowledge, functional studies have not been reported for this variant. This variant has been reported in one individual affected with familial gastric cancer in the literature (PMID: 23555086). In a large breast cancer case-control study, this variant was identified in 4/60466 cases and 1/53461 unaffected controls (PMID: 33471991). This variant has been identified in 1/251338 chromosomes in the general population by the Genome Aggregation Database (gnomAD). The available evidence is insufficient to determine the role of this variant in disease conclusively. Therefore, this variant is classified as a Variant of Uncertain Significance.

Ambry Genetics
Classification: Likely benign for Hereditary cancer-predisposing syndrome. Last evaluated: 2023-06-06. Review status: criteria provided, single submitter. Criteria: Ambry Variant Classification Scheme 2023. Collection method: clinical testing. Allele origin: germline.

Myriad Genetics, Inc.
Classification: Uncertain significance for Hereditary diffuse gastric adenocarcinoma. Last evaluated: 2023-03-06. Review status: criteria provided, single submitter. Criteria: Myriad Autosomal Dominant, Autosomal Recessive and X-Linked Classification Criteria (2023). Collection method: clinical testing. Allele origin: unknown.
Comment: This variant is classified as a variant of uncertain significance as there is insufficient evidence to determine its impact on protein function and/or cancer risk.

GeneDx
Classification: Uncertain significance. Last evaluated: 2021-10-21. Review status: criteria provided, single submitter. Criteria: GeneDx Variant Classification Process June 2021. Collection method: clinical testing. Allele origin: germline. Affected: yes.
Comment: Not observed at significant frequency in large population cohorts (Lek 2016); In silico analysis supports that this missense variant does not alter protein structure/function; Observed in an individual with a personal and family history of gastric cancer (Fang 2013); This variant is associated with the following publications: (PMID: 24983367, 25925381, 23555086)

Counsyl
Classification: Uncertain significance for Hereditary diffuse gastric adenocarcinoma. Last evaluated: 2016-11-08. Review status: no assertion criteria provided. Collection method: clinical testing. Allele origin: unknown. Not counted in ClinVar's aggregate classification.

Literature cited by the submitters: PubMed 23555086 (cited by 5 submitters); PubMed 33471991 (cited by 3 submitters).